The following is an entry in ClinVar:

ClinVar aggregate classification (germline): Uncertain significance (1 of 4 stars; one submission).

Conditions:
Early-infantile DEE. Also called: Ohtahara syndrome; Early infantile epileptic encephalopathy with suppression bursts; Early infantile epileptic encephalopathy. Identifiers: Orphanet 1934, MedGen C0393706, MONDO:0800491.

gnomAD v4.1: 3 of 1,604,268 alleles (0.00019%); highest among the groups gnomAD compares: Non-Finnish European, 0.00025%; no homozygotes.

Submission:

Labcorp Genetics (formerly Invitae), Labcorp
Classification: Uncertain significance for Early-infantile DEE. Last evaluated: 2024-03-21. Review status: criteria provided, single submitter. Criteria: Invitae Variant Classification Sherloc (09022015). Collection method: clinical testing. Allele origin: germline.
Comment: This sequence change replaces asparagine, which is neutral and polar, with lysine, which is basic and polar, at codon 646 of the SCN8A protein (p.Asn646Lys). This variant is not present in population databases (gnomAD no frequency). This variant has not been reported in the literature in individuals affected with SCN8A-related conditions. ClinVar contains an entry for this variant (Variation ID: 1420587). Advanced modeling of protein sequence and biophysical properties (such as structural, functional, and spatial information, amino acid conservation, physicochemical variation, residue mobility, and thermodynamic stability) has been performed at Invitae for this missense variant, however the output from this modeling did not meet the statistical confidence thresholds required to predict the impact of this variant on SCN8A protein function. In summary, the available evidence is currently insufficient to determine the role of this variant in disease. Therefore, it has been classified as a Variant of Uncertain Significance.

NM_001330260.2(SCN8A):c.1938C>A (p.Asn646Lys)

Gene: SCN8A (sodium voltage-gated channel alpha subunit 8; plus strand). Cytogenetic location: 12q13.13.
Variant type: single nucleotide variant.
Coding change: c.1938C>A on transcript NM_001330260.2 (MANE Select); coding-DNA position 1938, C replaced by A.
Protein change: p.Asn646Lys; replaces asparagine 646 with lysine.
Molecular consequence: missense variant.
Genome position (GRCh38, 1-based): chr12:51,721,848, C>A. VCF-style: chr12-51721848-C-A. GRCh37 (hg19) VCF-style: chr12-52115632-C-A.
Other names: c.1938C>A, p.Asn646Lys (NM_001177984.3, NM_001369788.1, NM_014191.4); short protein forms N646K.
Identifiers: ClinVar variation 1420587 (VCV001420587.7), dbSNP rs186183096, ClinGen allele CA385229900.